The following is an entry in ClinVar:

ClinVar aggregate classification (germline): Uncertain significance (1 of 4 stars; one submission).

Conditions:
Camptomelic dysplasia (CMPD). Also called: Campomelic Dysplasia; CMPD1/SRA1. Identifiers: Orphanet 140, MedGen C1861922, MONDO:0007251, OMIM 114290.

Submission:

Labcorp Genetics (formerly Invitae), Labcorp
Classification: Uncertain significance for Camptomelic dysplasia. Last evaluated: 2024-10-07. Review status: criteria provided, single submitter. Criteria: Invitae Variant Classification Sherloc (09022015). Collection method: clinical testing. Allele origin: germline.
Comment: This variant, c.1101_1121del, results in the deletion of 7 amino acid(s) of the SOX9 protein (p.Ala371_Pro377del), but otherwise preserves the integrity of the reading frame. This variant is present in population databases (rs753262382, gnomAD 0.03%). This variant has not been reported in the literature in individuals affected with SOX9-related conditions. ClinVar contains an entry for this variant (Variation ID: 1007550). Experimental studies and prediction algorithms are not available or were not evaluated, and the functional significance of this variant is currently unknown. In summary, the available evidence is currently insufficient to determine the role of this variant in disease. Therefore, it has been classified as a Variant of Uncertain Significance.

NM_000346.4(SOX9):c.1101_1121del (p.364AAPPQQP[1])

Gene: SOX9 (SRY-box transcription factor 9; plus strand). Cytogenetic location: 17q24.3.
Variant type: Deletion.
Coding change: c.1101_1121del on transcript NM_000346.4 (MANE Select); coding-DNA positions 1101 to 1121, 21 bases deleted (ACAGCAGCCGGCGGCACCCCC).
Protein change: p.364AAPPQQP[1].
Molecular consequence: inframe deletion.
Genome position (GRCh38, 1-based): chr17:72,123,958-72,123,978, ACAGCAGCCGGCGGCACCCCC deleted; deleting any 21 consecutive bases within chr17:72,123,953-72,123,978 gives the same sequence; the c. name uses the placement nearest the transcript's 3' end. VCF-style (leftmost placement, unchanged base first): chr17-72123952-GCCCCCACAGCAGCCGGCGGCA-G. GRCh37 (hg19) VCF-style: chr17-70120093-GCCCCCACAGCAGCCGGCGGCA-G.
Identifiers: ClinVar variation 1007550 (VCV001007550.6), dbSNP rs753262382, ClinGen allele CA8739093.